The following is an entry in ClinVar:

NM_000455.5(STK11):c.446C>T (p.Pro149Leu)

Gene: STK11 (serine/threonine kinase 11; plus strand). Cytogenetic location: 19p13.3.
Variant type: single nucleotide variant.
Coding change: c.446C>T on transcript NM_000455.5 (MANE Select); coding-DNA position 446, C replaced by T.
Protein change: p.Pro149Leu; replaces proline 149 with leucine.
Molecular consequence: missense variant.
Genome position (GRCh38, 1-based): chr19:1,219,395, C>T. VCF-style: chr19-1219395-C-T. GRCh37 (hg19) VCF-style: chr19-1219394-C-T.
Other names: short protein forms P149L.
Identifiers: ClinVar variation 1372723 (VCV001372723.6), dbSNP rs2145422466, ClinGen allele CA402948349.

ClinVar aggregate classification (germline): Uncertain significance (1 of 4 stars; one submission).

Conditions:
Peutz-Jeghers syndrome (PJS). Also called: Peutz-Jeghers polyposis; Periorificial lentiginosis syndrome; POLYPOSIS, HAMARTOMATOUS INTESTINAL; POLYPS-AND-SPOTS SYNDROME. Identifiers: Orphanet 2869, MedGen C0031269, MeSH D010580, MONDO:0008280, OMIM 175200.

Submission:

Labcorp Genetics (formerly Invitae), Labcorp
Classification: Uncertain significance for Peutz-Jeghers syndrome. Last evaluated: 2021-11-09. Review status: criteria provided, single submitter. Criteria: Invitae Variant Classification Sherloc (09022015). Collection method: clinical testing. Allele origin: germline.
Comment: In summary, the available evidence is currently insufficient to determine the role of this variant in disease. Therefore, it has been classified as a Variant of Uncertain Significance. Advanced modeling of protein sequence and biophysical properties (such as structural, functional, and spatial information, amino acid conservation, physicochemical variation, residue mobility, and thermodynamic stability) performed at Invitae indicates that this missense variant is expected to disrupt STK11 protein function. This missense change has been observed in individual(s) with Peutz-Jeghers syndrome (PMID: 26430231). However, in at least one individual, the variant co-occurs with another STK11 missense variant (p.Leu285Gln). This variant is not present in population databases (gnomAD no frequency). This sequence change replaces proline, which is neutral and non-polar, with leucine, which is neutral and non-polar, at codon 149 of the STK11 protein (p.Pro149Leu).

Literature cited by the submitters: PubMed 26430231.